The following is an entry in ClinVar:

ClinVar aggregate classification (germline): Uncertain significance. Review status: criteria provided, multiple submitters, no conflicts (2 of 4 stars). 2 submissions from 2 submitters: Uncertain significance (2). Last evaluated 2025-08-04.

Allele frequency attached by ClinVar (database versions not stated): TOPMed below 0.00001; gnomAD 0.00001; gnomAD exomes 0.00001.
gnomAD v4.1: 14 of 1,613,698 alleles (0.00087%); highest among the groups gnomAD compares: Non-Finnish European, 0.0012%; no homozygotes.

Submissions (2):

Labcorp Genetics (formerly Invitae), Labcorp
Classification: Uncertain significance. Last evaluated: 2025-08-04. Review status: criteria provided, single submitter. Criteria: Invitae Variant Classification Sherloc (09022015). Collection method: clinical testing. Allele origin: germline.
Comment: This sequence change replaces proline, which is neutral and non-polar, with serine, which is neutral and polar, at codon 453 of the ARID1A protein (p.Pro453Ser). This variant is not present in population databases (gnomAD no frequency). This variant has not been reported in the literature in individuals affected with ARID1A-related conditions. ClinVar contains an entry for this variant (Variation ID: 2637749). Invitae Evidence Modeling of protein sequence and biophysical properties (such as structural, functional, and spatial information, amino acid conservation, physicochemical variation, residue mobility, and thermodynamic stability) indicates that this missense variant is not expected to disrupt ARID1A protein function with a negative predictive value of 95%. In summary, the available evidence is currently insufficient to determine the role of this variant in disease. Therefore, it has been classified as a Variant of Uncertain Significance.

Women's Health and Genetics/Laboratory Corporation of America, LabCorp
Classification: Uncertain significance. Last evaluated: 2023-10-16. Review status: criteria provided, single submitter. Criteria: LabCorp Variant Classification Summary - May 2015. Collection method: clinical testing. Allele origin: germline.
Comment: Variant summary: ARID1A c.1357C>T (p.Pro453Ser) results in a non-conservative amino acid change in the encoded protein sequence. Three of five in-silico tools predict a benign effect of the variant on protein function. The variant was absent in 251178 control chromosomes (gnomAD). The available data on variant occurrences in the general population are insufficient to allow any conclusion about variant significance. To our knowledge, no occurrence of c.1357C>T in individuals affected with Mental Retardation, Autosomal Dominant 14 and no experimental evidence demonstrating its impact on protein function have been reported. No submitters have cited clinical-significance assessments for this variant to ClinVar after 2014. Based on the evidence outlined above, the variant was classified as uncertain significance.

NM_006015.6(ARID1A):c.1357C>T (p.Pro453Ser)

Gene: ARID1A (AT-rich interaction domain 1A; plus strand). Cytogenetic location: 1p36.11.
Variant type: single nucleotide variant.
Coding change: c.1357C>T on transcript NM_006015.6 (MANE Select); coding-DNA position 1357, C replaced by T.
Protein change: p.Pro453Ser; replaces proline 453 with serine.
Molecular consequence: missense variant.
Genome position (GRCh38, 1-based): chr1:26,731,158, C>T. VCF-style: chr1-26731158-C-T. GRCh37 (hg19) VCF-style: chr1-27057649-C-T.
Other names: c.1357C>T, p.Pro453Ser (NM_139135.4); short protein forms P453S.
Identifiers: ClinVar variation 2637749 (VCV002637749.2), dbSNP rs2080672403, ClinGen allele CA339267883.